The following is an entry in ClinVar:

NM_006231.4(POLE):c.3645C>T (p.Phe1215=)

Gene: POLE (DNA polymerase epsilon, catalytic subunit; minus strand). Cytogenetic location: 12q24.33.
Variant type: single nucleotide variant.
Coding change: c.3645C>T on transcript NM_006231.4 (MANE Select); coding-DNA position 3645, C replaced by T.
Protein change: p.Phe1215=; no amino-acid change (phenylalanine 1215 retained).
Molecular consequence: synonymous variant.
Genome position (GRCh38, 1-based): chr12:132,649,827, G>A on the plus strand (C>T on the coding strand, the complement: POLE is on the minus strand). VCF-style: chr12-132649827-G-A. GRCh37 (hg19) VCF-style: chr12-133226413-G-A.
Identifiers: ClinVar variation 473612 (VCV000473612.23), dbSNP rs758716323, ClinGen allele CA6893153.

ClinVar aggregate classification (germline): Likely benign. Review status: criteria provided, multiple submitters, no conflicts (2 of 4 stars). 6 submissions from 6 submitters: Likely benign (6). Last evaluated 2026-01-06.

Conditions:
Hereditary cancer-predisposing syndrome. Also called: Neoplastic Syndromes, Hereditary; Tumor predisposition; Hereditary Cancer Syndrome; Hereditary neoplastic syndrome. Identifiers: Orphanet 140162, MedGen C0027672, MeSH D009386, MONDO:0015356.
Familial colorectal cancer type X. Identifiers: Orphanet 440437, MedGen C3896578, MONDO:0018604.
Polymerase proofreading-related adenomatous polyposis. Also called: Polymerase proofreading associated polyposis; Polymerase proofreading–associated polyposis (PPAP). Identifiers: Orphanet 447877, MedGen C5202613, MONDO:0018653.

Allele frequency attached by ClinVar (database versions not stated): gnomAD 0.00001; gnomAD exomes 0.00001 and 0.00002; ExAC 0.00003; TOPMed 0.00003.
gnomAD v4.1: 24 of 1,614,004 alleles (0.0015%); highest among the groups gnomAD compares: Middle Eastern, 0.033%; no homozygotes.

Submissions (6):

Labcorp Genetics (formerly Invitae), Labcorp
Classification: Likely benign. Last evaluated: 2026-01-06. Review status: criteria provided, single submitter. Criteria: Invitae Variant Classification Sherloc (09022015). Collection method: clinical testing. Allele origin: germline.

Center for Genomic Medicine, Rigshospitalet, Copenhagen University Hospital
Classification: Likely benign. Last evaluated: 2025-03-04. Review status: criteria provided, single submitter. Criteria: ACMG Guidelines, 2015. Collection method: clinical testing. Allele origin: germline.

Department of Pathology and Laboratory Medicine, Sinai Health System
Classification: Likely benign for Polymerase proofreading-related adenomatous polyposis; Familial colorectal cancer type X. Last evaluated: 2021-01-21. Review status: criteria provided, single submitter. Criteria: ACMG Guidelines, 2015. Collection method: clinical testing. Allele origin: germline. Affected: yes.

Quest Diagnostics Nichols Institute San Juan Capistrano
Classification: Likely benign. Last evaluated: 2018-03-08. Review status: criteria provided, single submitter. Criteria: Quest Diagnostics criteria. Collection method: clinical testing. Allele origin: germline.

GeneDx
Classification: Likely benign. Last evaluated: 2017-09-20. Review status: criteria provided, single submitter. Criteria: GeneDx Variant Classification (06012015). Collection method: clinical testing. Allele origin: germline. Affected: yes.
Comment: This variant is considered likely benign or benign based on one or more of the following criteria: it is a conservative change, it occurs at a poorly conserved position in the protein, it is predicted to be benign by multiple in silico algorithms, and/or has population frequency not consistent with disease.

Ambry Genetics
Classification: Likely benign for Hereditary cancer-predisposing syndrome. Last evaluated: 2016-04-29. Review status: criteria provided, single submitter. Criteria: Ambry Variant Classification Scheme 2023. Collection method: clinical testing. Allele origin: germline.